The following is an entry in ClinVar:

ClinVar aggregate classification (germline): Conflicting classifications of pathogenicity. Review status: criteria provided, conflicting classifications (1 of 4 stars). 3 submissions from 3 submitters: Uncertain significance (2); Likely benign (1). Last evaluated 2025-11-10.

Conditions:
Hereditary cancer-predisposing syndrome. Also called: Hereditary Cancer Syndrome; Hereditary neoplastic syndrome; Neoplastic Syndromes, Hereditary; Tumor predisposition. Identifiers: Orphanet 140162, MedGen C0027672, MeSH D009386, MONDO:0015356.
Familial adenomatous polyposis 1 (FAP1). Also called: FAMILIAL ADENOMATOUS POLYPOSIS 1, ATTENUATED; POLYPOSIS, ADENOMATOUS INTESTINAL. Identifiers: MedGen C2713442, MONDO:0021056, OMIM 175100. Disease mechanism: loss of function.

Submissions (3):

Labcorp Genetics (formerly Invitae), Labcorp
Classification: Likely benign for Familial adenomatous polyposis 1. Last evaluated: 2025-11-10. Review status: criteria provided, single submitter. Criteria: Invitae Variant Classification Sherloc (09022015). Collection method: clinical testing. Allele origin: germline.

Ambry Genetics
Classification: Uncertain significance for Hereditary cancer-predisposing syndrome. Last evaluated: 2025-04-10. Review status: criteria provided, single submitter. Criteria: Ambry Variant Classification Scheme 2023. Collection method: clinical testing. Allele origin: germline.
Comment: The c.7404_7406delATC variant (also known as p.S2469del) is located in coding exon 15 of the APC gene. This variant results from an in-frame ATC deletion at nucleotide positions 7404 to 7406. This results in the in-frame deletion of a serine residue at codon 2469. This amino acid position is highly conserved in available vertebrate species. In addition, the in silico prediction for this alteration is inconclusive (Choi Y et al. PLoS ONE. 2012; 7(10):e46688). Based on the available evidence, the clinical significance of this variant remains unclear.

Quest Diagnostics Nichols Institute San Juan Capistrano
Classification: Uncertain significance. Last evaluated: 2024-08-01. Review status: criteria provided, single submitter. Criteria: Quest Diagnostics criteria. Collection method: clinical testing. Allele origin: unknown.
Comment: The APC c.7404_7406del (p.Ser2469del) variant has been reported in the published literature in an individual with breast cancer who carried additional variants of uncertain significance (PMID: 34326862 (2021)). This variant has not been reported in large, multi-ethnic general populations (Genome Aggregation Database). Based on the available information, we are unable to determine the clinical significance of this variant.

Literature cited by the submitters: PubMed 34326862 (cited by Quest Diagnostics Nichols Institute San Juan Capistrano).

NM_000038.6(APC):c.7401ATC[1] (p.Ser2469del)

Gene: APC (APC regulator of Wnt signaling pathway; plus strand). Cytogenetic location: 5q22.2.
Variant type: Microsatellite.
Coding change: c.7401ATC[1] on transcript NM_000038.6 (MANE Select); one copy of the 3-base unit ATC starting at c.7401; the reference has two copies in a row; one copy, 3 bases deleted; also written c.7404_7406del.
Protein change: p.Ser2469del; deletes serine 2469.
Molecular consequence: inframe deletion.
Genome position (GRCh38, 1-based): chr5:112,842,998-112,843,000, ATC deleted; deleting any 3 consecutive bases within chr5:112,842,994-112,843,000 gives the same sequence; the position shown is the placement nearest the transcript's 3' end. VCF-style (leftmost placement, unchanged base first): chr5-112842993-CCAT-C. GRCh37 (hg19) VCF-style: chr5-112178690-CCAT-C.
Other names: c.7404_7406del (NM_000038.5); c.7401ATC[1], p.Ser2469del (NM_001127510.3, NM_001354895.2); c.7347ATC[1], p.Ser2451del (NM_001127511.3); c.7455ATC[1], p.Ser2487del (NM_001354896.2); c.7431ATC[1], p.Ser2479del (NM_001354897.2); c.7326ATC[1], p.Ser2444del (NM_001354898.2); c.7317ATC[1], p.Ser2441del (NM_001354899.2); c.7278ATC[1], p.Ser2428del (NM_001354900.2); and 6 more; short protein forms S2368del, S2451del, S2469del, S2309del, S2441del, S2487del, S2186del, S2343del.
Identifiers: ClinVar variation 757607 (VCV000757607.17), dbSNP rs1580682156, ClinGen allele CA915943521.